The following is an entry in ClinVar:

NM_194248.3(OTOF):c.1336G>A (p.Gly446Ser)

Gene: OTOF (otoferlin; minus strand). Cytogenetic location: 2p23.3.
Variant type: single nucleotide variant.
Coding change: c.1336G>A on transcript NM_194248.3 (MANE Select); coding-DNA position 1336, G replaced by A.
Protein change: p.Gly446Ser; replaces glycine 446 with serine.
Molecular consequence: missense variant.
Genome position (GRCh38, 1-based): chr2:26,483,518, C>T on the plus strand (G>A on the coding strand, the complement: OTOF is on the minus strand). VCF-style: chr2-26483518-C-T. GRCh37 (hg19) VCF-style: chr2-26706386-C-T.
Other names: c.1336G>A, p.Gly446Ser (NM_001287489.2); short protein forms G446S.
Identifiers: ClinVar variation 4055826 (VCV004055826.1).
Genomic context (GRCh38, chr2:26,483,518, plus strand): 5'-GTACCTTCTGGCCAGCAAAGAAGACTTGCACGTAGGGGTCCACGAGGTCCTTGTTTTCAC[C>T]GATGAAAGCCTTCTTTACATTGGCCATGAGGCTTGTGTTCATACGGGGCAGCCCCTCTGC-3'
Protein context (NP_919224.1, residues 436-456): LMANVKKAFI[Gly446Ser]ENKDLVDPYV

ClinVar aggregate classification (germline): Uncertain significance (1 of 4 stars; one submission).

gnomAD v4.1: 20 of 1,613,880 alleles (0.0012%); highest among the groups gnomAD compares: Admixed American, 0.0033%; no homozygotes.

Submission:

GeneDx
Classification: Uncertain significance. Last evaluated: 2025-01-02. Review status: criteria provided, single submitter. Criteria: GeneDx Variant Classification Process June 2021. Collection method: clinical testing. Allele origin: germline. Affected: yes.
Comment: Not observed at significant frequency in large population cohorts (gnomAD); In silico analysis supports that this missense variant has a deleterious effect on protein structure/function; Has not been previously published as pathogenic or benign in association with an OTOF-related disorder to our knowledge; This variant is associated with the following publications: (PMID: 35982159, 33057194)